The following is an entry in ClinVar:

ClinVar aggregate classification (germline): Likely benign. Review status: criteria provided, single submitter (1 of 4 stars). 2 submissions from 2 submitters: Likely benign (1). 1 of the submissions does not count toward it. Last evaluated 2023-08-29.

Conditions:
ITGB4-related disorder. Also called: ITGB4-related condition.

Allele frequency attached by ClinVar (database versions not stated): gnomAD exomes below 0.00001; TOPMed below 0.00001; gnomAD 0.00001; 1000 Genomes Project 30x 0.00016; 1000 Genomes Project 0.00020.
gnomAD v4.1: 5 of 1,613,986 alleles (0.00031%); highest among the groups gnomAD compares: East Asian, 0.0022%; no homozygotes.

Submissions (2):

Labcorp Genetics (formerly Invitae), Labcorp
Classification: Likely benign. Last evaluated: 2023-08-29. Review status: criteria provided, single submitter. Criteria: Invitae Variant Classification Sherloc (09022015). Collection method: clinical testing. Allele origin: germline.

PreventionGenetics, part of Exact Sciences
Classification: Likely benign for ITGB4-related condition. Last evaluated: 2021-05-17. Review status: no assertion criteria provided. Collection method: clinical testing. Allele origin: germline. Not counted in ClinVar's aggregate classification.
Comment: This variant is classified as likely benign based on ACMG/AMP sequence variant interpretation guidelines (Richards et al. 2015 PMID: 25741868, with internal and published modifications).

NM_000213.5(ITGB4):c.918G>A (p.Ser306=)

Gene: ITGB4 (integrin subunit beta 4; plus strand). Cytogenetic location: 17q25.1.
Variant type: single nucleotide variant.
Coding change: c.918G>A on transcript NM_000213.5 (MANE Select); coding-DNA position 918, G replaced by A.
Protein change: p.Ser306=; no amino-acid change (serine 306 retained).
Molecular consequence: synonymous variant.
Genome position (GRCh38, 1-based): chr17:75,730,420, G>A. VCF-style: chr17-75730420-G-A. GRCh37 (hg19) VCF-style: chr17-73726501-G-A.
Other names: c.918G>A, p.Ser306= (NM_001005619.2, NM_001005731.3, NM_001321123.2).
Identifiers: ClinVar variation 3014550 (VCV003014550.5), dbSNP rs569815212, ClinGen allele CA294060548.